The following is an entry in ClinVar:

ClinVar aggregate classification (germline): Uncertain significance (1 of 4 stars; one submission).

Conditions:
Atrioventricular septal defect 5 (AVSD5). Identifiers: MedGen C3280939, MONDO:0013769, OMIM 614474.

Submission:

Labcorp Genetics (formerly Invitae), Labcorp
Classification: Uncertain significance for Atrioventricular septal defect 5. Last evaluated: 2025-12-29. Review status: criteria provided, single submitter. Criteria: Invitae Variant Classification Sherloc (09022015). Collection method: clinical testing. Allele origin: germline.
Comment: This sequence change replaces leucine, which is neutral and non-polar, with proline, which is neutral and non-polar, at codon 381 of the GATA6 protein (p.Leu381Pro). This variant is not present in population databases (gnomAD no frequency). This variant has not been reported in the literature in individuals affected with GATA6-related conditions. ClinVar contains an entry for this variant (Variation ID: 1371676). Invitae Evidence Modeling of protein sequence and biophysical properties (such as structural, functional, and spatial information, amino acid conservation, physicochemical variation, residue mobility, and thermodynamic stability) indicates that this missense variant is expected to disrupt GATA6 protein function with a positive predictive value of 80%. In summary, the available evidence is currently insufficient to determine the role of this variant in disease. Therefore, it has been classified as a Variant of Uncertain Significance.

NM_005257.6(GATA6):c.1142T>C (p.Leu381Pro)

Gene: GATA6 (GATA binding protein 6; plus strand). Cytogenetic location: 18q11.2.
Variant type: single nucleotide variant.
Coding change: c.1142T>C on transcript NM_005257.6 (MANE Select); coding-DNA position 1142, T replaced by C.
Protein change: p.Leu381Pro; replaces leucine 381 with proline.
Molecular consequence: missense variant.
Genome position (GRCh38, 1-based): chr18:22,176,961, T>C. VCF-style: chr18-22176961-T-C. GRCh37 (hg19) VCF-style: chr18-19756922-T-C.
Other names: short protein forms L381P.
Identifiers: ClinVar variation 1371676 (VCV001371676.6), dbSNP rs1389738061, ClinGen allele CA401801902.